The following is an entry in ClinVar:

NM_007186.6(CEP250):c.2348T>C (p.Ile783Thr)

Genes: CEP250 (centrosomal protein 250; plus strand), CEP250-AS1 (CEP250 antisense RNA 1; minus strand). Cytogenetic location: 20q11.22.
Variant type: single nucleotide variant.
Coding change: c.2348T>C on transcript NM_007186.6 (MANE Select); coding-DNA position 2348, T replaced by C.
Protein change: p.Ile783Thr; replaces isoleucine 783 with threonine.
Molecular consequence: missense variant.
Genome position (GRCh38, 1-based): chr20:35,479,705, T>C. VCF-style: chr20-35479705-T-C. GRCh37 (hg19) VCF-style: chr20-34067530-T-C.
Other names: c.452T>C, p.Ile151Thr (NM_001318219.1); short protein forms I151T, I783T.
Identifiers: ClinVar variation 1506219 (VCV001506219.3), dbSNP rs761502389, ClinGen allele CA9833167.
Genomic context (GRCh38, chr20:35,479,705, plus strand): 5'-GCTCAGCCAAGGAGCTACTGGAGAGCAGTCTGTTTGAAGCCCAACAACAAAATTCTGTGA[T>C]AGAGGTCACCAAGGGGCAGCTGGAGGTCCAGATTCAAACTGTCACTCAAGCCAAGGAAGT-3'
Protein context (NP_009117.2, residues 773-793): LFEAQQQNSV[Ile783Thr]EVTKGQLEVQ

ClinVar aggregate classification (germline): Uncertain significance (1 of 4 stars; one submission).

Allele frequency attached by ClinVar (database versions not stated): ExAC 0.00001; gnomAD exomes 0.00001 and 0.00005.
gnomAD v4.1: 68 of 1,614,118 alleles (0.0042%); highest among the groups gnomAD compares: Non-Finnish European, 0.0056%; no homozygotes.

Submission:

Labcorp Genetics (formerly Invitae), Labcorp
Classification: Uncertain significance. Last evaluated: 2022-08-15. Review status: criteria provided, single submitter. Criteria: Invitae Variant Classification Sherloc (09022015). Collection method: clinical testing. Allele origin: germline.
Comment: This sequence change replaces isoleucine, which is neutral and non-polar, with threonine, which is neutral and polar, at codon 783 of the CEP250 protein (p.Ile783Thr). This variant is present in population databases (rs761502389, gnomAD 0.002%). This variant has not been reported in the literature in individuals affected with CEP250-related conditions. ClinVar contains an entry for this variant (Variation ID: 1506219). Algorithms developed to predict the effect of missense changes on protein structure and function output the following: SIFT: "Not Available"; PolyPhen-2: "Benign"; Align-GVGD: "Not Available". The threonine amino acid residue is found in multiple mammalian species, which suggests that this missense change does not adversely affect protein function. In summary, the available evidence is currently insufficient to determine the role of this variant in disease. Therefore, it has been classified as a Variant of Uncertain Significance.